The following is an entry in ClinVar:

NM_024537.4(CARS2):c.632T>C (p.Val211Ala)

Gene: CARS2 (cysteinyl-tRNA synthetase 2, mitochondrial; minus strand). Cytogenetic location: 13q34.
Variant type: single nucleotide variant.
Coding change: c.632T>C on transcript NM_024537.4 (MANE Select); coding-DNA position 632, T replaced by C.
Protein change: p.Val211Ala; replaces valine 211 with alanine.
Molecular consequence: missense variant. On other transcripts: 5 prime UTR variant (1), non-coding transcript variant (2).
Genome position (GRCh38, 1-based): chr13:110,683,074, A>G on the plus strand (T>C on the coding strand, the complement: CARS2 is on the minus strand). VCF-style: chr13-110683074-A-G. GRCh37 (hg19) VCF-style: chr13-111335421-A-G.
Other names: c.-155T>C (NM_001352252.2); c.632T>C, p.Val211Ala (NM_001352253.3); short protein forms V211A.
Identifiers: ClinVar variation 959067 (VCV000959067.9), dbSNP rs773483383, ClinGen allele CA7052147.

ClinVar aggregate classification (germline): Uncertain significance (1 of 4 stars; one submission).

Conditions:
Combined oxidative phosphorylation defect type 27. Also called: Combined oxidative phosphorylation deficiency 27. Identifiers: Orphanet 477774, MedGen C5567608, MONDO:0014728, OMIM 616672.

Allele frequency attached by ClinVar (database versions not stated): ExAC 0.00001; gnomAD 0.00001; gnomAD exomes 0.00001 and 0.00002; TOPMed 0.00002.
gnomAD v4.1: 32 of 1,602,696 alleles (0.002%); highest among the groups gnomAD compares: Non-Finnish European, 0.0026%; no homozygotes.

Submission:

Labcorp Genetics (formerly Invitae), Labcorp
Classification: Uncertain significance for Combined oxidative phosphorylation defect type 27. Last evaluated: 2019-07-22. Review status: criteria provided, single submitter. Criteria: Invitae Variant Classification Sherloc (09022015). Collection method: clinical testing. Allele origin: germline.
Comment: In summary, the available evidence is currently insufficient to determine the role of this variant in disease. Therefore, it has been classified as a Variant of Uncertain Significance. Algorithms developed to predict the effect of missense changes on protein structure and function output the following: SIFT: "Tolerated"; PolyPhen-2: "Benign"; Align-GVGD: "Class C0". The alanine amino acid residue is found in multiple mammalian species, suggesting that this missense change does not adversely affect protein function. These predictions have not been confirmed by published functional studies and their clinical significance is uncertain. This variant has not been reported in the literature in individuals with CARS2-related conditions. This variant is present in population databases (rs773483383, ExAC 0.002%). This sequence change replaces valine with alanine at codon 211 of the CARS2 protein (p.Val211Ala). The valine residue is weakly conserved and there is a small physicochemical difference between valine and alanine.